The following is an entry in ClinVar:

ClinVar aggregate classification (germline): Conflicting classifications of pathogenicity. Review status: criteria provided, conflicting classifications (1 of 4 stars). 8 submissions from 8 submitters: Uncertain significance (1); Benign (3); Likely benign (4). Last evaluated 2025-12-21.

Conditions:
Hereditary cancer-predisposing syndrome. Also called: Neoplastic Syndromes, Hereditary; Hereditary Cancer Syndrome; Tumor predisposition; Hereditary neoplastic syndrome. Identifiers: Orphanet 140162, MedGen C0027672, MeSH D009386, MONDO:0015356.
Tuberous sclerosis syndrome (TSC). Also called: Tuberous Sclerosis Complex; Tuberous sclerosis. Identifiers: Orphanet 805, MedGen C0041341, MONDO:0001734.
Tuberous sclerosis 1 (TSC1). Identifiers: Orphanet 805, MedGen C1854465, MONDO:0008612, OMIM 191100.

Allele frequency attached by ClinVar (database versions not stated): TOPMed 0.00001; gnomAD 0.00002; gnomAD exomes 0.00003 and 0.00008; ExAC 0.00013; 1000 Genomes Project 30x 0.00016; 1000 Genomes Project 0.00020.

Submissions (8):

Labcorp Genetics (formerly Invitae), Labcorp
Classification: Benign for Tuberous sclerosis 1. Last evaluated: 2025-12-21. Review status: criteria provided, single submitter. Criteria: Invitae Variant Classification Sherloc (09022015). Collection method: clinical testing. Allele origin: germline.

Color Diagnostics, LLC DBA Color Health
Classification: Uncertain significance for Tuberous sclerosis syndrome. Last evaluated: 2025-08-04. Review status: criteria provided, single submitter. Criteria: ACMG Guidelines, 2015. Collection method: clinical testing. Allele origin: germline.
Comment: This missense variant replaces leucine with glutamine at codon 975 of the TSC1 protein. Computational prediction suggests that this variant may not impact protein structure and function. To our knowledge, functional studies have not been reported for this variant. This variant has not been reported in individuals affected with TSC1-related disorders in the literature. This variant has been identified in 20/251472 chromosomes in the general population by the Genome Aggregation Database (gnomAD). The available evidence is insufficient to determine the role of this variant in disease conclusively. Therefore, this variant is classified as a Variant of Uncertain Significance.

Ambry Genetics
Classification: Benign for Hereditary cancer-predisposing syndrome. Last evaluated: 2024-08-15. Review status: criteria provided, single submitter. Criteria: Ambry Variant Classification Scheme 2023. Collection method: clinical testing. Allele origin: germline.

Myriad Genetics, Inc.
Classification: Likely benign for Tuberous sclerosis 1. Last evaluated: 2024-08-14. Review status: criteria provided, single submitter. Criteria: Myriad Autosomal Dominant, Autosomal Recessive and X-Linked Classification Criteria (2023). Collection method: clinical testing. Allele origin: unknown.
Comment: This variant is considered likely benign. This variant has been observed at a population frequency that is significantly greater than expected given the associated disease prevalence and penetrance.

Genome-Nilou Lab
Classification: Likely benign for Tuberous sclerosis 1. Last evaluated: 2021-11-07. Review status: criteria provided, single submitter. Criteria: ACMG Guidelines, 2015. Collection method: clinical testing. Allele origin: germline. Affected: no.

CeGaT Center for Human Genetics Tuebingen
Classification: Likely benign. Last evaluated: 2021-04-01. Review status: criteria provided, single submitter. Criteria: CeGaT Center For Human Genetics Tuebingen Variant Classification Criteria Version 2. Collection method: clinical testing. Allele origin: germline. Affected: yes. Observed: 1 variant allele.

Sema4
Classification: Benign for Hereditary cancer-predisposing syndrome. Last evaluated: 2020-12-23. Review status: criteria provided, single submitter. Criteria: Sema4 Curation Guidelines. Collection method: curation. Allele origin: germline.

GeneDx
Classification: Likely benign. Last evaluated: 2017-10-05. Review status: criteria provided, single submitter. Criteria: GeneDx Variant Classification (06012015). Collection method: clinical testing. Allele origin: germline. Affected: yes.
Comment: This variant is considered likely benign or benign based on one or more of the following criteria: it is a conservative change, it occurs at a poorly conserved position in the protein, it is predicted to be benign by multiple in silico algorithms, and/or has population frequency not consistent with disease.

NM_000368.5(TSC1):c.2924T>A (p.Leu975Gln)

Gene: TSC1 (TSC complex subunit 1; minus strand). Cytogenetic location: 9q34.13.
Variant type: single nucleotide variant.
Coding change: c.2924T>A on transcript NM_000368.5 (MANE Select); coding-DNA position 2924, T replaced by A.
Protein change: p.Leu975Gln; replaces leucine 975 with glutamine.
Molecular consequence: missense variant.
Genome position (GRCh38, 1-based): chr9:132,897,235, A>T on the plus strand (T>A on the coding strand, the complement: TSC1 is on the minus strand). VCF-style: chr9-132897235-A-T. GRCh37 (hg19) VCF-style: chr9-135772622-A-T.
Other names: c.2921T>A, p.Leu974Gln (NM_001162426.2); c.2771T>A, p.Leu924Gln (NM_001162427.2); c.2561T>A, p.Leu854Gln (NM_001362177.2); short protein forms L975Q, L924Q, L974Q, L854Q.
Identifiers: ClinVar variation 508501 (VCV000508501.54), dbSNP rs549467159, ClinGen allele CA035074.